The following is an entry in ClinVar:

ClinVar aggregate classification (germline): Uncertain significance (1 of 4 stars; one submission).

Conditions:
Brugada syndrome 8 (BRGDA8). Identifiers: Orphanet 130, MedGen C2751083, MONDO:0013148, OMIM 613123.

Submission:

Labcorp Genetics (formerly Invitae), Labcorp
Classification: Uncertain significance for Brugada syndrome 8. Last evaluated: 2026-01-25. Review status: criteria provided, single submitter. Criteria: Invitae Variant Classification Sherloc (09022015). Collection method: clinical testing. Allele origin: germline.
Comment: This sequence change replaces leucine, which is neutral and non-polar, with arginine, which is basic and polar, at codon 589 of the HCN4 protein (p.Leu589Arg). This variant is not present in population databases (gnomAD no frequency). This variant has not been reported in the literature in individuals affected with HCN4-related conditions. Invitae Evidence Modeling of protein sequence and biophysical properties (such as structural, functional, and spatial information, amino acid conservation, physicochemical variation, residue mobility, and thermodynamic stability) indicates that this missense variant is expected to disrupt HCN4 protein function with a positive predictive value of 95%. In summary, the available evidence is currently insufficient to determine the role of this variant in disease. Therefore, it has been classified as a Variant of Uncertain Significance.

NM_005477.3(HCN4):c.1766T>G (p.Leu589Arg)

Gene: HCN4 (hyperpolarization activated cyclic nucleotide gated potassium channel 4; minus strand). Cytogenetic location: 15q24.1.
Variant type: single nucleotide variant.
Coding change: c.1766T>G on transcript NM_005477.3 (MANE Select); coding-DNA position 1766, T replaced by G.
Protein change: p.Leu589Arg; replaces leucine 589 with arginine.
Molecular consequence: missense variant.
Genome position (GRCh38, 1-based): chr15:73,325,167, A>C on the plus strand (T>G on the coding strand, the complement: HCN4 is on the minus strand). VCF-style: chr15-73325167-A-C. GRCh37 (hg19) VCF-style: chr15-73617508-A-C.
Other names: short protein forms L589R.
Identifiers: ClinVar variation 4709583 (VCV004709583.1).